The following is an entry in ClinVar:

NM_001244008.2(KIF1A):c.2410G>A (p.Gly804Arg)

Gene: KIF1A (kinesin family member 1A; minus strand). Cytogenetic location: 2q37.3.
Variant type: single nucleotide variant.
Coding change: c.2410G>A on transcript NM_001244008.2 (MANE Select); coding-DNA position 2410, G replaced by A.
Protein change: p.Gly804Arg; replaces glycine 804 with arginine.
Molecular consequence: missense variant.
Genome position (GRCh38, 1-based): chr2:240,760,699, C>T on the plus strand (G>A on the coding strand, the complement: KIF1A is on the minus strand). VCF-style: chr2-240760699-C-T. GRCh37 (hg19) VCF-style: chr2-241700116-C-T.
Other names: c.2410G>A, p.Gly804Arg (NM_001320705.2, NM_001330289.2, NM_001379638.1); c.2485G>A, p.Gly829Arg (NM_001330290.2, NM_001379631.1, NM_001379634.1 and 2 more transcripts); c.2383G>A, p.Gly795Arg (NM_001379632.1, NM_001379633.1, NM_001379636.1 and 10 more transcripts); c.2458G>A, p.Gly820Arg (NM_001379637.1, NM_001379648.1); short protein forms G804R, G829R, G795R, G820R.
Identifiers: ClinVar variation 1444792 (VCV001444792.6), dbSNP rs773066933, ClinGen allele CA2208108.

ClinVar aggregate classification (germline): Uncertain significance (1 of 4 stars; one submission).

Conditions:
Hereditary spastic paraplegia 30. Identifiers: Orphanet 101010, MedGen C5235139, MONDO:0012476.
Neuropathy, hereditary sensory, type 2C. Also called: KIF1A-Related HSAN2 (HSAN2C); Hereditary sensory and autonomic neuropathy type IIC. Identifiers: Orphanet 970, MedGen C3280168, MONDO:0013634, OMIM 614213.
Intellectual disability, autosomal dominant 9 (NESCAVS). Also called: KIF1A-Related Neurodevelopmental Disorder; NESCAV SYNDROME. Identifiers: Orphanet 662367, MedGen C5393830, MONDO:0013656, OMIM 614255.

Allele frequency attached by ClinVar (database versions not stated): gnomAD 0.00001; gnomAD exomes 0.00001; ExAC 0.00004.
gnomAD v4.1: 2 of 1,574,396 alleles (0.00013%); highest among the groups gnomAD compares: South Asian, 0.0012%; no homozygotes.

Submission:

Labcorp Genetics (formerly Invitae), Labcorp
Classification: Uncertain significance for Hereditary spastic paraplegia 30; Neuropathy, hereditary sensory, type 2C; Intellectual disability, autosomal dominant 9. Last evaluated: 2024-05-15. Review status: criteria provided, single submitter. Criteria: Invitae Variant Classification Sherloc (09022015). Collection method: clinical testing. Allele origin: germline.
Comment: This sequence change replaces glycine, which is neutral and non-polar, with arginine, which is basic and polar, at codon 795 of the KIF1A protein (p.Gly795Arg). The frequency data for this variant in the population databases is considered unreliable, as metrics indicate poor data quality at this position in the gnomAD database. This variant has not been reported in the literature in individuals affected with KIF1A-related conditions. ClinVar contains an entry for this variant (Variation ID: 1444792). Advanced modeling of protein sequence and biophysical properties (such as structural, functional, and spatial information, amino acid conservation, physicochemical variation, residue mobility, and thermodynamic stability) has been performed at Invitae for this missense variant, however the output from this modeling did not meet the statistical confidence thresholds required to predict the impact of this variant on KIF1A protein function. In summary, the available evidence is currently insufficient to determine the role of this variant in disease. Therefore, it has been classified as a Variant of Uncertain Significance.